The following is an entry in ClinVar:

ClinVar aggregate classification (germline): Conflicting classifications of pathogenicity. Review status: criteria provided, conflicting classifications (1 of 4 stars). 3 submissions from 3 submitters: Uncertain significance (2); Likely benign (1). Last evaluated 2025-02-21.

Conditions:
Cardiovascular phenotype. Identifiers: MedGen CN230736.
Primary familial hypertrophic cardiomyopathy (HCM). Identifiers: Orphanet 99739, MedGen C0949658, MeSH D024741, MONDO:0024573. Inheritance: Various modes of inheritance.
Dilated cardiomyopathy 1AA (CMD1AA). Also called: Cardiomyopathy, dilated, 1AA, with or without LVNC; CARDIOMYOPATHY, DILATED, 1AA, WITH OR WITHOUT LEFT VENTRICULAR NONCOMPACTION; CARDIOMYOPATHY, FAMILIAL HYPERTROPHIC, 23, WITH OR WITHOUT LEFT VENTRICULAR NONCOMPACTION. Identifiers: Orphanet 154, MedGen C2677338, MONDO:0012808, OMIM 612158.
Cardiomyopathy (CMYO). Also called: Cardiomyopathies. Identifiers: Orphanet 167848, MedGen C0878544, MONDO:0004994, HP:0001638. Inheritance: Various modes of inheritance.

Allele frequency attached by ClinVar (database versions not stated): gnomAD exomes below 0.00001 and 0.00001; gnomAD 0.00001; ExAC 0.00001.
gnomAD v4.1: 13 of 1,612,180 alleles (0.00081%); highest among the groups gnomAD compares: South Asian, 0.0066%; no homozygotes.

Submissions (4):

Ambry Genetics
Classification: Uncertain significance for Cardiovascular phenotype. Last evaluated: 2025-02-21. Review status: criteria provided, single submitter. Criteria: Ambry Variant Classification Scheme 2023. Collection method: clinical testing. Allele origin: germline.
Comment: The p.S147L variant (also known as c.440C>T), located in coding exon 4 of the ACTN2 gene, results from a C to T substitution at nucleotide position 440. The serine at codon 147 is replaced by leucine, an amino acid with dissimilar properties. This variant was reported in individual(s) with features consistent with hypertrophic cardiomyopathy (HCM) (Kim HY et al. J Clin Med, 2020 Jun;9:[ePub ahead of print]). This amino acid position is highly conserved in available vertebrate species. In addition, this alteration is predicted to be deleterious by in silico analysis. Based on the available evidence, the clinical significance of this variant remains unclear.

Labcorp Genetics (formerly Invitae), Labcorp
Classification: Likely benign for Primary familial hypertrophic cardiomyopathy; Dilated cardiomyopathy 1AA. Last evaluated: 2024-02-08. Review status: criteria provided, single submitter. Criteria: Invitae Variant Classification Sherloc (09022015). Collection method: clinical testing. Allele origin: germline.

CHEO Genetics Diagnostic Laboratory, Children's Hospital of Eastern Ontario
Classification: Uncertain significance for Cardiomyopathy. Last evaluated: 2015-12-11. Review status: criteria provided, single submitter. Criteria: ACMG Guidelines, 2015. Collection method: clinical testing. Allele origin: germline. Study: Canadian Open Genetics Repository.

Avery Lab, Oakland University
No classification provided (evidence only). Condition: Dilated cardiomyopathy 1AA; Hypertrophic cardiomyopathy 1. Review status: no classification provided. Collection method: in vitro. Allele origin: not applicable. Functional consequence: loss of function. Not counted in ClinVar's aggregate classification.

Literature cited by the submitters: PubMed 32492895 (cited by Ambry Genetics).

NM_001103.4(ACTN2):c.440C>T (p.Ser147Leu)

Gene: ACTN2 (actinin alpha 2; plus strand). Cytogenetic location: 1q43.
Variant type: single nucleotide variant.
Coding change: c.440C>T on transcript NM_001103.4 (MANE Select); coding-DNA position 440, C replaced by T.
Protein change: p.Ser147Leu; replaces serine 147 with leucine.
Molecular consequence: missense variant. On other transcripts: 5 prime UTR variant (1).
Genome position (GRCh38, 1-based): chr1:236,720,183, C>T. VCF-style: chr1-236720183-C-T. GRCh37 (hg19) VCF-style: chr1-236883483-C-T.
Other names: c.440C>T, p.Ser147Leu (NM_001278343.2); c.-382C>T (NM_001278344.2); short protein forms S147L.
Identifiers: ClinVar variation 626618 (VCV000626618.12), dbSNP rs749667083, ClinGen allele CA1472794.
Genomic context (GRCh38, chr1:236,720,183, plus strand): 5'-TGAAAATGACCCTGGGTATGATCTGGACCATCATCCTTCGCTTTGCTATTCAGGATATTT[C>T]GGTTGAAGGTAAAAGACATGGTTAAAAGTCTAATTGTATAATCTGTAAATTGAGCTTGTG-3'
Protein context (NP_001094.1, residues 137-157): IILRFAIQDI[Ser147Leu]VEETSAKEGL